The following is an entry in ClinVar:

NM_004984.4(KIF5A):c.959T>G (p.Phe320Cys)

Gene: KIF5A (kinesin family member 5A; plus strand). Cytogenetic location: 12q13.3.
Variant type: single nucleotide variant.
Coding change: c.959T>G on transcript NM_004984.4 (MANE Select); coding-DNA position 959, T replaced by G.
Protein change: p.Phe320Cys; replaces phenylalanine 320 with cysteine.
Molecular consequence: missense variant.
Genome position (GRCh38, 1-based): chr12:57,569,395, T>G. VCF-style: chr12-57569395-T-G. GRCh37 (hg19) VCF-style: chr12-57963178-T-G.
Other names: c.692T>G, p.Phe231Cys (NM_001354705.2); short protein forms F231C, F320C.
Identifiers: ClinVar variation 1697112 (VCV001697112.2), dbSNP rs2140162988, ClinGen allele CA385501043.

ClinVar aggregate classification (germline): Uncertain significance (1 of 4 stars; one submission).

Submission:

GeneDx
Classification: Uncertain significance. Last evaluated: 2022-01-15. Review status: criteria provided, single submitter. Criteria: GeneDx Variant Classification Process June 2021. Collection method: clinical testing. Allele origin: germline. Affected: yes.
Comment: Not observed at significant frequency in large population cohorts (gnomAD); In silico analysis supports that this missense variant has a deleterious effect on protein structure/function; Has not been previously published as pathogenic or benign to our knowledge